The following is an entry in ClinVar:

ClinVar aggregate classification (germline): Pathogenic (1 of 4 stars; one submission).

Conditions:
Fanconi anemia (FA). Also called: Fanconi's anemia. Identifiers: Orphanet 84, MedGen C0015625, MeSH D005199, MONDO:0019391.

Submission:

Labcorp Genetics (formerly Invitae), Labcorp
Classification: Pathogenic for Fanconi anemia. Last evaluated: 2019-04-23. Review status: criteria provided, single submitter. Criteria: Invitae Variant Classification Sherloc (09022015). Collection method: clinical testing. Allele origin: germline.
Comment: This variant is a gross deletion of the genomic region encompassing exons 2-3 of the SLX4 gene, which includes the initiator codon. The 5' end of this event is unknown as it extends beyond the assayed region for this gene and therefore may encompass additional genes. The 3' boundary is likely confined to intron 3 of the SLX4 gene. This is expected to result in an absent or disrupted protein product. For these reasons, this variant has been classified as Pathogenic. Loss-of-function variants in SLX4 are known to be pathogenic (PMID: 21240277). This variant has not been reported in the literature in individuals with SLX4-related conditions.

Literature cited by the submitters: PubMed 21240277.

NC_000016.10:g.(?_3606464)_(3608974_?)del

Gene: SLX4 (SLX4 structure-specific endonuclease subunit; minus strand). Cytogenetic location: 16p13.3.
Variant type: Deletion.
Identifiers: ClinVar variation 831292 (VCV000831292.5).